The following is an entry in ClinVar:

ClinVar aggregate classification (germline): Conflicting classifications of pathogenicity. Review status: criteria provided, conflicting classifications (1 of 4 stars). 8 submissions from 8 submitters: Uncertain significance (2); Likely benign (5). 1 of the submissions does not count toward it. Last evaluated 2026-01-28.

Conditions:
ERCC2-related disorder. Also called: ERCC2-related conditions; ERCC2-related condition; ERCC2-related disorders. Identifiers: MedGen CN239291.
Inborn genetic diseases. Identifiers: MedGen C0950123, MeSH D030342.
Xeroderma pigmentosum, group D (XPD). Also called: XP, GROUP D; XP, GROUP H; XERODERMA PIGMENTOSUM IV; XERODERMA PIGMENTOSUM, COMPLEMENTATION GROUP D; ERCC2-Related Xeroderma Pigmentosum. Identifiers: MedGen C0268138, MONDO:0010212, OMIM 278730.
Xeroderma pigmentosum (XP). Identifiers: Orphanet 910, MedGen C0043346, MONDO:0019600.

Allele frequency attached by ClinVar (database versions not stated): ExAC 0.00032; gnomAD exomes 0.00032; 1000 Genomes Project 0.00040; 1000 Genomes Project 30x 0.00047; ESP Exome Variant Server 0.00069; gnomAD 0.00101 and 0.00113; TOPMed 0.00107.
gnomAD v4.1: 394 of 1,613,638 alleles (0.024%); highest among the groups gnomAD compares: African/African-American, 0.3%; 1 homozygote.

Submissions (8):

Labcorp Genetics (formerly Invitae), Labcorp
Classification: Likely benign. Last evaluated: 2026-01-28. Review status: criteria provided, single submitter. Criteria: Invitae Variant Classification Sherloc (09022015). Collection method: clinical testing. Allele origin: germline.

Blueprint Genetics
Classification: Likely benign. Last evaluated: 2023-12-27. Review status: criteria provided, single submitter. Criteria: ACMG Guidelines, 2015. Collection method: clinical testing. Allele origin: germline.

Ambry Genetics
Classification: Likely benign for Inborn genetic diseases. Last evaluated: 2022-02-12. Review status: criteria provided, single submitter. Criteria: Ambry Variant Classification Scheme 2023. Collection method: clinical testing. Allele origin: germline.

Sema4
Classification: Likely benign for Xeroderma pigmentosum. Last evaluated: 2021-05-14. Review status: criteria provided, single submitter. Criteria: Sema4 Curation Guidelines. Collection method: curation. Allele origin: germline.

GeneDx
Classification: Likely benign. Last evaluated: 2021-03-16. Review status: criteria provided, single submitter. Criteria: GeneDx Variant Classification Process June 2021. Collection method: clinical testing. Allele origin: germline. Affected: yes.

CeGaT Center for Human Genetics Tuebingen
Classification: Uncertain significance. Last evaluated: 2018-04-01. Review status: criteria provided, single submitter. Criteria: CeGaT Center For Human Genetics Tuebingen Variant Classification Criteria Version 2. Collection method: clinical testing. Allele origin: germline. Affected: yes. Observed: 1 variant allele.

Illumina Laboratory Services, Illumina
Classification: Uncertain significance for Xeroderma pigmentosum, group D. Last evaluated: 2017-04-27. Review status: criteria provided, single submitter. Criteria: ICSL Variant Classification Criteria 13 December 2019. Collection method: clinical testing. Allele origin: germline.

PreventionGenetics, part of Exact Sciences
Classification: Likely benign for ERCC2-related condition. Last evaluated: 2022-11-15. Review status: no assertion criteria provided. Collection method: clinical testing. Allele origin: germline. Not counted in ClinVar's aggregate classification.
Comment: This variant is classified as likely benign based on ACMG/AMP sequence variant interpretation guidelines (Richards et al. 2015 PMID: 25741868, with internal and published modifications).

NM_000400.4(ERCC2):c.1789C>T (p.Leu597=)

Gene: ERCC2 (ERCC excision repair 2, TFIIH core complex helicase subunit; minus strand). Cytogenetic location: 19q13.32.
Variant type: single nucleotide variant.
Coding change: c.1789C>T on transcript NM_000400.4 (MANE Select); coding-DNA position 1789, C replaced by T.
Protein change: p.Leu597=; no amino-acid change (leucine 597 retained).
Molecular consequence: synonymous variant.
Genome position (GRCh38, 1-based): chr19:45,353,125, G>A on the plus strand (C>T on the coding strand, the complement: ERCC2 is on the minus strand). VCF-style: chr19-45353125-G-A. GRCh37 (hg19) VCF-style: chr19-45856383-G-A.
Identifiers: ClinVar variation 738297 (VCV000738297.62), dbSNP rs138038607, ClinGen allele CA9513078.